The following is an entry in ClinVar:

NM_025179.4(PLXNA2):c.5589+3G>A

Gene: PLXNA2 (plexin A2; minus strand). Cytogenetic location: 1q32.2.
Variant type: single nucleotide variant.
Coding change: c.5589+3G>A on transcript NM_025179.4 (MANE Select); 3 bases into the intron after coding-DNA position 5589, G replaced by A.
Molecular consequence: intron variant.
Genome position (GRCh38, 1-based): chr1:208,028,006, C>T on the plus strand (G>A on the coding strand, the complement: PLXNA2 is on the minus strand). VCF-style: chr1-208028006-C-T. GRCh37 (hg19) VCF-style: chr1-208201351-C-T.
Identifiers: ClinVar variation 3030257 (VCV003030257.2), dbSNP rs1664390198, ClinGen allele CA2483628494.
Genomic context (GRCh38, chr1:208,028,006, plus strand): 5'-GACTGAGTCAGGCTTCCTGCTCCTTGCCTGTTGGTTTCTGTCCCTGCTGGGGCCCTGTCT[C>T]ACCTCCTCACTATACTTGCTGACATAGGAGTAGATCTCATTGAGGGCACTCAGCATGTTG-3'

ClinVar aggregate classification (germline): Likely benign (0 of 4 stars; one submission).

Conditions:
PLXNA2-related disorder. Also called: PLXNA2-related condition.

Allele frequency attached by ClinVar (database versions not stated): TOPMed below 0.00001.

Submission:

PreventionGenetics, part of Exact Sciences
Classification: Likely benign for PLXNA2-related condition. Last evaluated: 2021-11-23. Review status: no assertion criteria provided. Collection method: clinical testing. Allele origin: germline.
Comment: This variant is classified as likely benign based on ACMG/AMP sequence variant interpretation guidelines (Richards et al. 2015 PMID: 25741868, with internal and published modifications).